The following is an entry in ClinVar:

NM_014714.4(IFT140):c.3377T>C (p.Leu1126Pro)

Gene: IFT140 (intraflagellar transport 140; minus strand). Cytogenetic location: 16p13.3.
Variant type: single nucleotide variant.
Coding change: c.3377T>C on transcript NM_014714.4 (MANE Select); coding-DNA position 3377, T replaced by C.
Protein change: p.Leu1126Pro; replaces leucine 1126 with proline.
Molecular consequence: missense variant.
Genome position (GRCh38, 1-based): chr16:1,523,594, A>G on the plus strand (T>C on the coding strand, the complement: IFT140 is on the minus strand). VCF-style: chr16-1523594-A-G. GRCh37 (hg19) VCF-style: chr16-1573595-A-G.
Other names: short protein forms L1126P.
Identifiers: ClinVar variation 1998443 (VCV001998443.4), dbSNP rs1455624471, ClinGen allele CA394225301.
Genomic context (GRCh38, chr16:1,523,594, plus strand): 5'-AGCAGCTCTACCGCCCTCTCGTACTGACTGTGCTCGATGAAGAAGTCGGAGCAGCGGGCC[A>G]GGAGCGCAGGGTCTGACGTCTCATCCAGGTCCTCTGCTATGAGCTGTAGGGCCACAAACT-3'
Protein context (NP_055529.2, residues 1116-1136): DLDETSDPAL[Leu1126Pro]ARCSDFFIEH

ClinVar aggregate classification (germline): Uncertain significance (1 of 4 stars; one submission).

Conditions:
Saldino-Mainzer syndrome (SRTD9). Also called: CONORENAL SYNDROME; Renal dysplasia, retinal pigmentary dystrophy, cerebellar ataxia and skeletal dysplasia; SHORT-RIB THORACIC DYSPLASIA 9 WITHOUT POLYDACTYLY; short-rib thoracic dysplasia 9 with or without polydactyly. Identifiers: Orphanet 140969, MedGen C1849437, MONDO:0009964, OMIM 266920.

Submission:

Labcorp Genetics (formerly Invitae), Labcorp
Classification: Uncertain significance for Saldino-Mainzer syndrome. Last evaluated: 2022-05-25. Review status: criteria provided, single submitter. Criteria: Invitae Variant Classification Sherloc (09022015). Collection method: clinical testing. Allele origin: germline.
Comment: In summary, the available evidence is currently insufficient to determine the role of this variant in disease. Therefore, it has been classified as a Variant of Uncertain Significance. Algorithms developed to predict the effect of missense changes on protein structure and function are either unavailable or do not agree on the potential impact of this missense change (SIFT: "Deleterious"; PolyPhen-2: "Probably Damaging"; Align-GVGD: "Class C0"). This variant has not been reported in the literature in individuals affected with IFT140-related conditions. This variant is not present in population databases (gnomAD no frequency). This sequence change replaces leucine, which is neutral and non-polar, with proline, which is neutral and non-polar, at codon 1126 of the IFT140 protein (p.Leu1126Pro).